The following is an entry in ClinVar:

ClinVar aggregate classification (germline): Uncertain significance (1 of 4 stars; one submission).

Conditions:
Infantile spasms. Also called: Infantile spasm. Identifiers: MedGen C3887898, HP:0012469.

Submission:

Labcorp Genetics (formerly Invitae), Labcorp
Classification: Uncertain significance for Infantile spasms. Last evaluated: 2022-08-09. Review status: criteria provided, single submitter. Criteria: Invitae Variant Classification Sherloc (09022015). Collection method: clinical testing. Allele origin: germline.
Comment: In summary, the available evidence is currently insufficient to determine the role of this variant in disease. Therefore, it has been classified as a Variant of Uncertain Significance. ClinVar contains an entry for this variant (Variation ID: 579840). This variant has not been reported in the literature in individuals affected with PIK3AP1-related conditions. This variant is not present in population databases (gnomAD no frequency). This sequence change creates a premature translational stop signal (p.Gln40Argfs*4) in the PIK3AP1 gene. It is expected to result in an absent or disrupted protein product. However, the current clinical and genetic evidence is not sufficient to establish whether loss-of-function variants in PIK3AP1 cause disease.

NM_152309.3(PIK3AP1):c.118del (p.Gln40fs)

Gene: PIK3AP1 (phosphoinositide-3-kinase adaptor protein 1; minus strand). Cytogenetic location: 10q24.1.
Variant type: Deletion.
Coding change: c.118del on transcript NM_152309.3 (MANE Select); coding-DNA position 118, one base deleted (C; older notation c.118delC).
Protein change: p.Gln40fs; shifts the reading frame from glutamine 40.
Molecular consequence: frameshift variant.
Genome position (GRCh38, 1-based): chr10:96,709,879, G deleted on the plus strand (C on the coding strand, the reverse complement: PIK3AP1 is on the minus strand); the first of 2 consecutive G bases (chr10:96,709,879-96,709,880); deleting either gives the same sequence. VCF-style (leftmost placement, unchanged base first): chr10-96709878-TG-T. GRCh37 (hg19) VCF-style: chr10-98469635-TG-T.
Other names: short protein forms Q40fs.
Identifiers: ClinVar variation 579840 (VCV000579840.6), dbSNP rs1564991748, ClinGen allele CA891842882.